The following is an entry in ClinVar:

NM_012309.5(SHANK2):c.113G>A (p.Arg38Gln)

Gene: SHANK2 (SH3 and multiple ankyrin repeat domains 2; minus strand). Cytogenetic location: 11q13.4.
Variant type: single nucleotide variant.
Coding change: c.113G>A on transcript NM_012309.5 (MANE Select); coding-DNA position 113, G replaced by A.
Protein change: p.Arg38Gln; replaces arginine 38 with glutamine.
Molecular consequence: missense variant.
Genome position (GRCh38, 1-based): chr11:71,147,214, C>T on the plus strand (G>A on the coding strand, the complement: SHANK2 is on the minus strand). VCF-style: chr11-71147214-C-T. GRCh37 (hg19) VCF-style: chr11-70858260-C-T.
Other names: short protein forms R38Q.
Identifiers: ClinVar variation 2596113 (VCV002596113.4), dbSNP rs1280829265, ClinGen allele CA381961285.

ClinVar aggregate classification (germline): Conflicting classifications of pathogenicity. Review status: criteria provided, conflicting classifications (1 of 4 stars). 2 submissions from 2 submitters: Uncertain significance (1); Likely benign (1). Last evaluated 2026-04-01.

Conditions:
Inborn genetic diseases. Identifiers: MedGen C0950123, MeSH D030342.

Allele frequency attached by ClinVar (database versions not stated): gnomAD 0.00001; gnomAD exomes 0.00001; TOPMed 0.00002.
gnomAD v4.1: 16 of 1,550,692 alleles (0.001%); highest among the groups gnomAD compares: South Asian, 0.0048%; no homozygotes.

Submissions (2):

CeGaT Center for Human Genetics Tuebingen
Classification: Likely benign. Last evaluated: 2026-04-01. Review status: criteria provided, single submitter. Criteria: CeGaT Center For Human Genetics Tuebingen Variant Classification Criteria Version 2. Collection method: clinical testing. Allele origin: germline. Affected: yes. Observed: 1 variant allele.
Comment: SHANK2: BP4

Ambry Genetics
Classification: Uncertain significance for Inborn genetic diseases. Last evaluated: 2023-08-28. Review status: criteria provided, single submitter. Criteria: Ambry Variant Classification Scheme 2023. Collection method: clinical testing. Allele origin: germline.